The following is an entry in ClinVar:

NM_001329943.3(KIAA0586):c.2254_2255insA (p.Gly752fs)

Gene: KIAA0586 (KIAA0586; plus strand). Cytogenetic location: 14q23.1.
Variant type: Insertion.
Coding change: c.2254_2255insA on transcript NM_001329943.3 (MANE Select); coding-DNA positions 2254 to 2255, A inserted.
Protein change: p.Gly752fs; shifts the reading frame from glycine 752.
Molecular consequence: frameshift variant.
Genome position: GRCh38 VCF-style: chr14-58467734-G-GA. GRCh37 (hg19) VCF-style: chr14-58934452-G-GA.
Other names: c.2254_2255insA, p.Gly752fs (NM_001329947.2, NM_001329944.2, NM_001329946.2); c.1999_2000insA, p.Gly667fs (NM_001364700.1, NM_001364701.2, NM_001244191.2 and 1 more transcripts); c.2026_2027insA, p.Gly676fs (NM_014749.5); c.2413_2414insA, p.Gly805fs (NM_001244189.2); c.2209_2210insA, p.Gly737fs (NM_001244190.2); c.2122_2123insA, p.Gly708fs (NM_001244192.2); c.1834_1835insA, p.Gly612fs (NM_001244193.2); short protein forms G612fs, G805fs, G737fs, G667fs, G676fs, G708fs, G752fs.
Identifiers: ClinVar variation 4786466 (VCV004786466.1).
Genomic context (GRCh38, chr14:58,467,734, plus strand): 5'-TATTAGACTTTTCCCTTTTTTTCTGAACTAGTTGACTTATTTTTTCTCCTAAACTTCTTA[G>GA]GACAAACCCAAAGTAATAGTGATACCATGCCACCTGCTGGAGTGATTGTCAGCAAGCCAC-3'

ClinVar aggregate classification (germline): Likely pathogenic (1 of 4 stars; one submission).

Conditions:
Short-rib thoracic dysplasia 14 with polydactyly (SRTD14). Identifiers: Orphanet 397715, MedGen C4225286, MONDO:0014688, OMIM 616546.
Joubert syndrome 23 (JBTS23). Identifiers: Orphanet 475, MedGen C4084822, MONDO:0014664, OMIM 616490.

Submission:

Labcorp Genetics (formerly Invitae), Labcorp
Classification: Likely pathogenic for Joubert syndrome 23; Short-rib thoracic dysplasia 14 with polydactyly. Last evaluated: 2025-10-19. Review status: criteria provided, single submitter. Criteria: Invitae Variant Classification Sherloc (09022015). Collection method: clinical testing. Allele origin: germline.
Comment: This sequence change affects a splice site in intron 17 of the KIAA0586 gene. It is expected to disrupt RNA splicing. Variants that disrupt the donor or acceptor splice site typically lead to a loss of protein function (PMID: 16199547), and loss-of-function variants in KIAA0586 are known to be pathogenic (PMID: 26096313, 26166481, 26386044). This variant is not present in population databases (gnomAD no frequency). This variant has not been reported in the literature in individuals affected with KIAA0586-related conditions. Algorithms developed to predict the effect of sequence changes on RNA splicing suggest that this variant may disrupt the consensus splice site. In summary, the currently available evidence indicates that the variant is pathogenic, but additional data are needed to prove that conclusively. Therefore, this variant has been classified as Likely Pathogenic.

Literature cited by the submitters: PubMed 16199547; PubMed 26096313; PubMed 26166481; PubMed 26386044.